The following is an entry in ClinVar:

NM_006514.4(SCN10A):c.154C>T (p.Arg52Trp)

Gene: SCN10A (sodium voltage-gated channel alpha subunit 10; minus strand). Cytogenetic location: 3p22.2.
Variant type: single nucleotide variant.
Coding change: c.154C>T on transcript NM_006514.4 (MANE Select); coding-DNA position 154, C replaced by T.
Protein change: p.Arg52Trp; replaces arginine 52 with tryptophan.
Molecular consequence: missense variant.
Genome position (GRCh38, 1-based): chr3:38,793,857, G>A on the plus strand (C>T on the coding strand, the complement: SCN10A is on the minus strand). VCF-style: chr3-38793857-G-A. GRCh37 (hg19) VCF-style: chr3-38835348-G-A.
Other names: c.154C>T, p.Arg52Trp (NM_001293306.2, NM_001293307.2); short protein forms R52W.
Identifiers: ClinVar variation 1775017 (VCV001775017.4), dbSNP rs754234000, ClinGen allele CA2321297.
Genomic context (GRCh38, chr3:38,793,857, plus strand): 5'-CTGGGAGCTCACCATAGAACTTGGGCAGCTGGTTGCAGGCTTTCAAGTCCAGCTGGGGCC[G>A]AGGCTTCTCTTCTTGGTCCTTCTGCTCCCTATGCTTCTCTCTGGCTTTCTTTGTTCCCTG-3'
Protein context (NP_006505.4, residues 42-62): REQKDQEEKP[Arg52Trp]PQLDLKACNQ

ClinVar aggregate classification (germline): Uncertain significance. Review status: criteria provided, multiple submitters, no conflicts (2 of 4 stars). 2 submissions from 2 submitters: Uncertain significance (2). Last evaluated 2022-05-22.

Conditions:
Brugada syndrome. Also called: Sudden unexpected nocturnal death syndrome; Sudden unexplained nocturnal death syndrome; Sudden Unexplained Death Syndrome; Sudden Unexplained Nocturnal Death Syndrome (SUNDS). Identifiers: Orphanet 130, MedGen C1142166, MONDO:0015263.
Cardiovascular phenotype. Identifiers: MedGen CN230736.

Allele frequency attached by ClinVar (database versions not stated): gnomAD 0.00001; gnomAD exomes 0.00001; TOPMed 0.00001; ExAC 0.00002.
gnomAD v4.1: 25 of 1,613,926 alleles (0.0015%); highest among the groups gnomAD compares: Middle Eastern, 0.15%; no homozygotes.

Submissions (2):

Labcorp Genetics (formerly Invitae), Labcorp
Classification: Uncertain significance for Brugada syndrome. Last evaluated: 2022-05-22. Review status: criteria provided, single submitter. Criteria: Invitae Variant Classification Sherloc (09022015). Collection method: clinical testing. Allele origin: germline.
Comment: This sequence change replaces arginine, which is basic and polar, with tryptophan, which is neutral and slightly polar, at codon 52 of the SCN10A protein (p.Arg52Trp). This variant is present in population databases (rs754234000, gnomAD 0.007%). This variant has not been reported in the literature in individuals affected with SCN10A-related conditions. Algorithms developed to predict the effect of missense changes on protein structure and function (SIFT, PolyPhen-2, Align-GVGD) all suggest that this variant is likely to be disruptive. In summary, the available evidence is currently insufficient to determine the role of this variant in disease. Therefore, it has been classified as a Variant of Uncertain Significance.

Ambry Genetics
Classification: Uncertain significance for Cardiovascular phenotype. Last evaluated: 2022-03-04. Review status: criteria provided, single submitter. Criteria: Ambry Variant Classification Scheme 2023. Collection method: clinical testing. Allele origin: germline.
Comment: The p.R52W variant (also known as c.154C>T), located in coding exon 1 of the SCN10A gene, results from a C to T substitution at nucleotide position 154. The arginine at codon 52 is replaced by tryptophan, an amino acid with dissimilar properties. This amino acid position is conserved. In addition, the in silico prediction for this alteration is inconclusive. Since supporting evidence is limited at this time, the clinical significance of this alteration remains unclear.